The following is an entry in ClinVar:

NM_014915.3(ANKRD26):c.1705A>C (p.Thr569Pro)

Gene: ANKRD26 (ankyrin repeat domain 26; minus strand). Cytogenetic location: 10p12.1.
Variant type: single nucleotide variant.
Coding change: c.1705A>C on transcript NM_014915.3 (MANE Select); coding-DNA position 1705, A replaced by C.
Protein change: p.Thr569Pro; replaces threonine 569 with proline.
Molecular consequence: missense variant.
Genome position (GRCh38, 1-based): chr10:27,048,910, T>G on the plus strand (A>C on the coding strand, the complement: ANKRD26 is on the minus strand). VCF-style: chr10-27048910-T-G. GRCh37 (hg19) VCF-style: chr10-27337839-T-G.
Other names: c.1705A>C, p.Thr569Pro (NM_001256053.2); short protein forms T569P.
Identifiers: ClinVar variation 4845125 (VCV004845125.1).

ClinVar aggregate classification (germline): Uncertain significance (1 of 4 stars; one submission).

Conditions:
Inborn genetic diseases. Identifiers: MedGen C0950123, MeSH D030342.

gnomAD v4.1: 1 of 1,612,326 alleles (0.000062%); no homozygotes.

Submission:

Ambry Genetics
Classification: Uncertain significance for Inborn genetic diseases. Last evaluated: 2026-01-25. Review status: criteria provided, single submitter. Criteria: Ambry Variant Classification Scheme 2023. Collection method: clinical testing. Allele origin: germline.
Comment: The p.T569P variant (also known as c.1705A>C), located in coding exon 17 of the ANKRD26 gene, results from an A to C substitution at nucleotide position 1705. The threonine at codon 569 is replaced by proline, an amino acid with highly similar properties. This amino acid position is conserved. In addition, this alteration is predicted to be tolerated by in silico analysis. Based on the available evidence, the clinical significance of this variant remains unclear.